The following is an entry in ClinVar:

ClinVar aggregate classification (germline): Uncertain significance (1 of 4 stars; one submission).

Allele frequency attached by ClinVar (database versions not stated): gnomAD exomes below 0.00001; gnomAD 0.00001.

Submission:

Laboratory for Molecular Medicine, Mass General Brigham Personalized Medicine
Classification: Uncertain significance. Last evaluated: 2019-08-02. Review status: criteria provided, single submitter. Criteria: LMM Criteria. Collection method: clinical testing. Allele origin: germline. Observed: 1 variant allele.
Comment: Variant classified as Uncertain Significance - Favor Benign. The p.Ser1749Arg variant in RP1L1 has not been previously reported in individuals with retinitis pigmentosa but has been identified in 1/113286 of European chromosomes by gnomAD. Computational prediction tools and conservation analyses suggest that this variant may not impact the protein, though this information is not predictive enough to rule out pathogenicity. In summary, while the clinical significance of this variant is uncertain, these data suggest that it is more likely to be benign. ACMG/AMP Criteria applied: PM2, BP4.

NM_178857.6(RP1L1):c.5247C>G (p.Ser1749Arg)

Gene: RP1L1 (RP1 like 1). Cytogenetic location: 8p23.1.
Variant type: single nucleotide variant.
Coding change: c.5247C>G on transcript NM_178857.6 (MANE Select); coding-DNA position 5247, C replaced by G.
Protein change: p.Ser1749Arg; replaces serine 1749 with arginine.
Molecular consequence: missense variant.
Genome position (GRCh38, 1-based): chr8:10,608,851, G>C on the plus strand (C>G on the coding strand, the complement: RP1L1 is on the minus strand). VCF-style: chr8-10608851-G-C. GRCh37 (hg19) VCF-style: chr8-10466361-G-C.
Other names: short protein forms S1749R.
Identifiers: ClinVar variation 930013 (VCV000930013.4), dbSNP rs778715898, ClinGen allele CA171940992.
Genomic context (GRCh38, chr8:10,608,851, plus strand): 5'-AGCCATTGCATCTCCCTCTGCCTCCCCGAGTTTGGGATCTTTGTCTCTGTTGAGTCTCTG[G>C]CTCCCCTCGCCATCCTCACCCTCGTCCACTCCAGGCCCCTGGCTCAGCCCCGGCCCCAGC-3'
Protein context (NP_849188.4, residues 1739-1759): GVDEGEDGEG[Ser1749Arg]QRLNRDKDPK